The following is an entry in ClinVar:

ClinVar aggregate classification (germline): Likely benign (1 of 4 stars; one submission).

Submission:

GeneDx
Classification: Likely benign. Last evaluated: 2017-10-12. Review status: criteria provided, single submitter. Criteria: GeneDx Variant Classification (06012015). Collection method: clinical testing. Allele origin: germline. Affected: yes.
Comment: This variant is considered likely benign or benign based on one or more of the following criteria: it is a conservative change, it occurs at a poorly conserved position in the protein, it is predicted to be benign by multiple in silico algorithms, and/or has population frequency not consistent with disease.

NM_015971.4(MRPS7):c.654C>G (p.Pro218=)

Gene: MRPS7 (mitochondrial ribosomal protein S7; plus strand). Cytogenetic location: 17q25.1.
Variant type: single nucleotide variant.
Coding change: c.654C>G on transcript NM_015971.4 (MANE Select); coding-DNA position 654, C replaced by G.
Protein change: p.Pro218=; no amino-acid change (proline 218 retained).
Molecular consequence: synonymous variant.
Genome position (GRCh38, 1-based): chr17:75,265,848, C>G. VCF-style: chr17-75265848-C-G. GRCh37 (hg19) VCF-style: chr17-73261929-C-G.
Identifiers: ClinVar variation 512314 (VCV000512314.1), dbSNP rs148321039, ClinGen allele CA8760471.